The following is an entry in ClinVar:

ClinVar aggregate classification (germline): Conflicting classifications of pathogenicity. Review status: criteria provided, conflicting classifications (1 of 4 stars). 6 submissions from 6 submitters: Uncertain significance (3); Benign (1); Likely benign (2). Last evaluated 2026-02-06.

Conditions:
Tuberous sclerosis syndrome (TSC). Also called: Tuberous Sclerosis Complex; Tuberous sclerosis. Identifiers: Orphanet 805, MedGen C0041341, MONDO:0001734.
Tuberous sclerosis 2 (TSC2). Identifiers: Orphanet 805, MedGen C1860707, MONDO:0013199, OMIM 613254.
Hereditary cancer-predisposing syndrome. Also called: Hereditary neoplastic syndrome; Tumor predisposition; Neoplastic Syndromes, Hereditary; Hereditary Cancer Syndrome. Identifiers: Orphanet 140162, MedGen C0027672, MeSH D009386, MONDO:0015356.

Allele frequency attached by ClinVar (database versions not stated): gnomAD exomes below 0.00001; TOPMed below 0.00001; ExAC 0.00001; gnomAD 0.00001; ESP Exome Variant Server 0.00008.

Submissions (6):

Ambry Genetics
Classification: Likely benign for Hereditary cancer-predisposing syndrome. Last evaluated: 2026-02-06. Review status: criteria provided, single submitter. Criteria: Ambry Variant Classification Scheme 2023. Collection method: clinical testing. Allele origin: germline.

Labcorp Genetics (formerly Invitae), Labcorp
Classification: Benign for Tuberous sclerosis 2. Last evaluated: 2025-10-25. Review status: criteria provided, single submitter. Criteria: Invitae Variant Classification Sherloc (09022015). Collection method: clinical testing. Allele origin: germline.

CeGaT Center for Human Genetics Tuebingen
Classification: Likely benign. Last evaluated: 2025-08-01. Review status: criteria provided, single submitter. Criteria: CeGaT Center For Human Genetics Tuebingen Variant Classification Criteria Version 2. Collection method: clinical testing. Allele origin: germline. Affected: yes. Observed: 1 variant allele.
Comment: TSC2: BP4

All of Us Research Program, National Institutes of Health
Classification: Uncertain significance for Tuberous sclerosis syndrome. Last evaluated: 2024-05-14. Review status: criteria provided, single submitter. Criteria: ACMG Guidelines, 2015. Collection method: clinical testing. Allele origin: germline. Inheritance: Autosomal dominant inheritance. Observed: 2 variant alleles, 2 heterozygotes.
Comment: This missense variant replaces serine with glycine at codon 1774 of the TSC2 protein. Computational prediction suggests that this variant may not impact protein structure and function. To our knowledge, functional studies have not been reported for this variant. This variant has not been reported in individuals affected with TSC2-related disorders in the literature. This variant has been identified in 2/281432 chromosomes in the general population by the Genome Aggregation Database (gnomAD). The available evidence is insufficient to determine the role of this variant in disease conclusively. Therefore, this variant is classified as a Variant of Uncertain Significance.

This study involves interpretation of variants in research participants for the purpose of population health screening. Participant phenotype was not available at the time of variant classification. Additional details can be found in publication PMID: 35346344, PMCID: PMC8962531

Color Diagnostics, LLC DBA Color Health
Classification: Uncertain significance for Tuberous sclerosis syndrome. Last evaluated: 2024-04-24. Review status: criteria provided, single submitter. Criteria: ACMG Guidelines, 2015. Collection method: clinical testing. Allele origin: germline.
Comment: This missense variant replaces serine with glycine at codon 1774 of the TSC2 protein. Computational prediction suggests that this variant may not impact protein structure and function. To our knowledge, functional studies have not been reported for this variant. This variant has not been reported in individuals affected with TSC2-related disorders in the literature. This variant has been identified in 2/281432 chromosomes in the general population by the Genome Aggregation Database (gnomAD). The available evidence is insufficient to determine the role of this variant in disease conclusively. Therefore, this variant is classified as a Variant of Uncertain Significance.

Genetic Services Laboratory, University of Chicago
Classification: Uncertain significance. Last evaluated: 2021-11-04. Review status: criteria provided, single submitter. Criteria: ACMG Guidelines, 2015. Collection method: clinical testing. Allele origin: germline. Affected: no.
Comment: DNA sequence analysis of the TSC2 gene demonstrated a sequence change, c.5320A>G, in exon 42 that results in an amino acid change, p.Ser1774Gly. This sequence change does not appear to have been previously described in individuals with TSC2-related disorders. This sequence change has been described in the gnomAD database in two individuals which corresponds to a population frequency of 0.00071% (dbSNP rs368083145). The p.Ser1774Gly change affects a poorly conserved amino acid residue located in a domain of the TSC2 protein that is not known to be functional. The p.Ser1774Gly substitution appears to be benign using several in-silico pathogenicity prediction tools (SIFT, PolyPhen2, Align GVGD, REVEL). Due to insufficient evidences and the lack of functional studies, the clinical significance of the p.Ser1774Gly change remains unknown at this time.

Literature cited by the submitters: PubMed 28518168 (cited by Ambry Genetics); PubMed 32461654 (cited by Ambry Genetics).

NM_000548.5(TSC2):c.5320A>G (p.Ser1774Gly)

Gene: TSC2 (TSC complex subunit 2; plus strand). Cytogenetic location: 16p13.3.
Variant type: single nucleotide variant.
Coding change: c.5320A>G on transcript NM_000548.5 (MANE Select); coding-DNA position 5320, A replaced by G.
Protein change: p.Ser1774Gly; replaces serine 1774 with glycine.
Molecular consequence: missense variant.
Genome position (GRCh38, 1-based): chr16:2,088,506, A>G. VCF-style: chr16-2088506-A-G. GRCh37 (hg19) VCF-style: chr16-2138507-A-G.
Other names: c.5119A>G, p.Ser1707Gly (NM_001077183.3); c.5251A>G, p.Ser1751Gly (NM_001114382.3); c.5011A>G, p.Ser1671Gly (NM_001318827.2); c.4975A>G, p.Ser1659Gly (NM_001318829.2); c.4588A>G, p.Ser1530Gly (NM_001318831.2); c.5152A>G, p.Ser1718Gly (NM_001318832.2); c.5122A>G, p.Ser1708Gly (NM_001363528.2); c.5188A>G, p.Ser1730Gly (NM_001370404.1); and 2 more; short protein forms S1774G, S1530G, S1708G, S1731G, S1751G, S1707G, S1718G, S1730G.
Identifiers: ClinVar variation 468157 (VCV000468157.28), dbSNP rs368083145, ClinGen allele CA055089.